The following is an entry in ClinVar:

NM_002602.4(PDE6G):c.194C>T (p.Thr65Ile)

Gene: PDE6G (phosphodiesterase 6G; minus strand). Cytogenetic location: 17q25.3.
Variant type: single nucleotide variant.
Coding change: c.194C>T on transcript NM_002602.4 (MANE Select); coding-DNA position 194, C replaced by T.
Protein change: p.Thr65Ile; replaces threonine 65 with isoleucine.
Molecular consequence: missense variant. On other transcripts: non-coding transcript variant (2).
Genome position (GRCh38, 1-based): chr17:81,651,144, G>A on the plus strand (C>T on the coding strand, the complement: PDE6G is on the minus strand). VCF-style: chr17-81651144-G-A. GRCh37 (hg19) VCF-style: chr17-79618174-G-A.
Other names: c.194C>T, p.Thr65Ile (NM_001365724.1, NM_001365725.1); short protein forms T65I.
Identifiers: ClinVar variation 1998688 (VCV001998688.4), dbSNP rs2509804872, ClinGen allele CA401474108.

ClinVar aggregate classification (germline): Uncertain significance (1 of 4 stars; one submission).

Allele frequency attached by ClinVar (database versions not stated): gnomAD exomes below 0.00001.
gnomAD v4.1: 1 of 1,612,732 alleles (0.000062%); highest among the groups gnomAD compares: African/African-American, 0.0013%; no homozygotes.

Submission:

Labcorp Genetics (formerly Invitae), Labcorp
Classification: Uncertain significance. Last evaluated: 2022-05-30. Review status: criteria provided, single submitter. Criteria: Invitae Variant Classification Sherloc (09022015). Collection method: clinical testing. Allele origin: germline.
Comment: This sequence change replaces threonine, which is neutral and polar, with isoleucine, which is neutral and non-polar, at codon 65 of the PDE6G protein (p.Thr65Ile). This variant is not present in population databases (gnomAD no frequency). This variant has not been reported in the literature in individuals affected with PDE6G-related conditions. Algorithms developed to predict the effect of missense changes on protein structure and function (SIFT, PolyPhen-2, Align-GVGD) all suggest that this variant is likely to be disruptive. In summary, the available evidence is currently insufficient to determine the role of this variant in disease. Therefore, it has been classified as a Variant of Uncertain Significance.